The following is an entry in ClinVar:

NM_001039213.4(CEACAM16):c.879T>G (p.Cys293Trp)

Genes: CEACAM16-AS1 (CEACAM16, CEACAM19 and PVR antisense RNA 1; minus strand), CEACAM16 (CEA cell adhesion molecule 16, tectorial membrane component; plus strand). Cytogenetic location: 19q13.32.
Variant type: single nucleotide variant.
Coding change: c.879T>G on transcript NM_001039213.4 (MANE Select); coding-DNA position 879, T replaced by G.
Protein change: p.Cys293Trp; replaces cysteine 293 with tryptophan.
Molecular consequence: missense variant.
Genome position (GRCh38, 1-based): chr19:44,705,807, T>G. VCF-style: chr19-44705807-T-G. GRCh37 (hg19) VCF-style: chr19-45209077-T-G.
Other names: short protein forms C293W.
Identifiers: ClinVar variation 4804464 (VCV004804464.1).

ClinVar aggregate classification (germline): Uncertain significance (1 of 4 stars; one submission).

gnomAD v4.1: 2 of 1,613,834 alleles (0.00012%); highest among the groups gnomAD compares: African/African-American, 0.0027%; no homozygotes.

Submission:

Labcorp Genetics (formerly Invitae), Labcorp
Classification: Uncertain significance. Last evaluated: 2025-11-14. Review status: criteria provided, single submitter. Criteria: Invitae Variant Classification Sherloc (09022015). Collection method: clinical testing. Allele origin: germline.
Comment: This sequence change replaces cysteine, which is neutral and slightly polar, with tryptophan, which is neutral and slightly polar, at codon 293 of the CEACAM16 protein (p.Cys293Trp). This variant is not present in population databases (gnomAD no frequency). This variant has not been reported in the literature in individuals affected with CEACAM16-related conditions. Invitae Evidence Modeling of protein sequence and biophysical properties (such as structural, functional, and spatial information, amino acid conservation, physicochemical variation, residue mobility, and thermodynamic stability) indicates that this missense variant is expected to disrupt CEACAM16 protein function with a positive predictive value of 80%. In summary, the available evidence is currently insufficient to determine the role of this variant in disease. Therefore, it has been classified as a Variant of Uncertain Significance.